The following is an entry in ClinVar:

NM_144997.7(FLCN):c.1439C>A (p.Pro480His)

Gene: FLCN (folliculin; minus strand). Cytogenetic location: 17p11.2.
Variant type: single nucleotide variant.
Coding change: c.1439C>A on transcript NM_144997.7 (MANE Select); coding-DNA position 1439, C replaced by A.
Protein change: p.Pro480His; replaces proline 480 with histidine.
Molecular consequence: missense variant.
Genome position (GRCh38, 1-based): chr17:17,215,084, G>T on the plus strand (C>A on the coding strand, the complement: FLCN is on the minus strand). VCF-style: chr17-17215084-G-T. GRCh37 (hg19) VCF-style: chr17-17118398-G-T.
Other names: c.1439C>A (LRG_325t1); c.1493C>A, p.Pro498His (NM_001353229.2); c.1439C>A, p.Pro480His (NM_001353230.2, NM_001353231.2); short protein forms P498H, P480H.
Identifiers: ClinVar variation 645666 (VCV000645666.7), dbSNP rs745720578, ClinGen allele CA398531022.

ClinVar aggregate classification (germline): Uncertain significance. Review status: criteria provided, multiple submitters, no conflicts (2 of 4 stars). 2 submissions from 2 submitters: Uncertain significance (2). Last evaluated 2025-07-08.

Conditions:
Hereditary cancer-predisposing syndrome. Also called: Neoplastic Syndromes, Hereditary; Hereditary Cancer Syndrome; Hereditary neoplastic syndrome; Tumor predisposition. Identifiers: Orphanet 140162, MedGen C0027672, MeSH D009386, MONDO:0015356.
Birt-Hogg-Dube syndrome. Also called: Birt Hogg Dubé syndrome. Identifiers: Orphanet 122, MedGen C0346010, MONDO:0800444.

Submissions (2):

Labcorp Genetics (formerly Invitae), Labcorp
Classification: Uncertain significance for Birt-Hogg-Dube syndrome. Last evaluated: 2025-07-08. Review status: criteria provided, single submitter. Criteria: Invitae Variant Classification Sherloc (09022015). Collection method: clinical testing. Allele origin: germline.
Comment: This sequence change replaces proline, which is neutral and non-polar, with histidine, which is basic and polar, at codon 480 of the FLCN protein (p.Pro480His). This variant is not present in population databases (gnomAD no frequency). This variant has not been reported in the literature in individuals affected with FLCN-related conditions. ClinVar contains an entry for this variant (Variation ID: 645666). Invitae Evidence Modeling of protein sequence and biophysical properties (such as structural, functional, and spatial information, amino acid conservation, physicochemical variation, residue mobility, and thermodynamic stability) indicates that this missense variant is expected to disrupt FLCN protein function with a positive predictive value of 80%. In summary, the available evidence is currently insufficient to determine the role of this variant in disease. Therefore, it has been classified as a Variant of Uncertain Significance.

Ambry Genetics
Classification: Uncertain significance for Hereditary cancer-predisposing syndrome. Last evaluated: 2024-07-11. Review status: criteria provided, single submitter. Criteria: Ambry Variant Classification Scheme 2023. Collection method: clinical testing. Allele origin: germline.
Comment: The p.P480H variant (also known as c.1439C>A), located in coding exon 10 of the FLCN gene, results from a C to A substitution at nucleotide position 1439. The proline at codon 480 is replaced by histidine, an amino acid with similar properties. This amino acid position is conserved. In addition, this alteration is predicted to be deleterious by in silico analysis. Based on the available evidence, the clinical significance of this variant remains unclear.